The following is an entry in ClinVar:

Conditions:
Breast-ovarian cancer, familial, susceptibility to, 1 (BROVCA1). Also called: BRCA1 Hereditary Breast and Ovarian Cancer; OVARIAN CANCER, SUSCEPTIBILITY TO. Identifiers: Orphanet 145, MedGen C2676676, MONDO:0011450, OMIM 604370. Disease mechanism: loss of function.

Submission:

Brotman Baty Institute, University of Washington
No classification provided (evidence only). Condition: Breast-ovarian cancer, familial 1. Review status: no classification provided. Collection method: in vitro. Allele origin: not applicable. Functional consequence: function_uncertain_variant.
ClinVar note: "not provided" was previously submitted as the classification for the variant. However, the classification appeared to be based only on an observation of functional data so it was converted to no classification on 2025-07-30.

NM_007294.4(BRCA1):c.5333-5T>A

Gene: BRCA1 (BRCA1 DNA repair associated; minus strand). Cytogenetic location: 17q21.31.
Variant type: single nucleotide variant.
Coding change: c.5333-5T>A on transcript NM_007294.4 (MANE Select); 5 bases into the intron before coding-DNA position 5333, T replaced by A.
Molecular consequence: intron variant.
Genome position (GRCh38, 1-based): chr17:43,049,199, A>T on the plus strand (T>A on the coding strand, the complement: BRCA1 is on the minus strand). VCF-style: chr17-43049199-A-T. GRCh37 (hg19) VCF-style: chr17-41201216-A-T.
Other names: c.2090-5T>A (NM_001407970.1, NM_001407971.1); c.5330-5T>A (NM_001407621.1, NM_001407613.1, NM_001407618.1 and 14 more transcripts); c.5333-5T>A (NM_001407593.1, NM_001407603.1, NM_001407598.1 and 5 more transcripts); c.1880-5T>A (NM_001408458.1, NM_001408461.1, NM_001408464.1 and 7 more transcripts); c.4442-5T>A (NM_001407967.1); c.4952-5T>A (NM_001407959.1); c.5066-5T>A (NM_001407931.1, NM_001407932.1, NM_001407928.1 and 4 more transcripts); c.5189-5T>A (NM_001407747.1, NM_001407745.1, NM_001407737.1 and 18 more transcripts); and 84 more.
Identifiers: ClinVar variation 868016 (VCV000868016.3), dbSNP rs2051098402, ClinGen allele CA916080889.
Genomic context (GRCh38, chr17:43,049,199, plus strand): 5'-TGAAAGCTCCTTCACCACAGAAGCACCACACAGCTGTACCATCCATTCCAGTTGATCTAA[A>T]ATGGACATTTAGATGTAAAATCACTGCAGTAATCTGCATACTTAACCCAGGCCCTCTACC-3'